The following is an entry in ClinVar:

ClinVar aggregate classification (germline): Benign (1 of 4 stars; one submission).

Conditions:
Stargardt disease 3. Also called: MACULAR DYSTROPHY WITH FLECKS, TYPE 3; STARGARDT-LIKE MACULAR DYSTROPHY, AUTOSOMAL DOMINANT. Identifiers: Orphanet 827, MedGen C1838644, MONDO:0010819, OMIM 600110.

Allele frequency attached by ClinVar (database versions not stated): 1000 Genomes Project 0.02356; 1000 Genomes Project 30x 0.02358; TOPMed 0.03039; gnomAD 0.03215 and 0.03374; gnomAD exomes 0.03672.
gnomAD v4.1: 4,897 of 152,968 alleles (3.2%); highest among the groups gnomAD compares: Middle Eastern, 6.1%; 109 homozygotes.

Submission:

Illumina Laboratory Services, Illumina
Classification: Benign for Stargardt disease 3. Last evaluated: 2018-01-13. Review status: criteria provided, single submitter. Criteria: ICSL Variant Classification Criteria 13 December 2019. Collection method: clinical testing. Allele origin: germline.
Comment: This variant was observed in the ICSL laboratory as part of a predisposition screen in an ostensibly healthy population. It had not been previously curated by ICSL or reported in the Human Gene Mutation Database (HGMD: prior to June 1st, 2018), and was therefore a candidate for classification through an automated scoring system. Utilizing variant allele frequency, disease prevalence and penetrance estimates, and inheritance mode, an automated score was calculated to assess if this variant is too frequent to cause the disease. Based on the score and internal cut-off values, a variant classified as benign is not then subjected to further curation. The score for this variant resulted in a classification of benign for this disease.

NM_022726.4(ELOVL4):c.*609G>A

Gene: ELOVL4 (ELOVL fatty acid elongase 4; minus strand). Cytogenetic location: 6q14.1.
Variant type: single nucleotide variant.
Coding change: c.*609G>A on transcript NM_022726.4 (MANE Select); 609 bases downstream of the stop codon, G replaced by A.
Molecular consequence: 3 prime UTR variant.
Genome position (GRCh38, 1-based): chr6:79,915,999, C>T on the plus strand (G>A on the coding strand, the complement: ELOVL4 is on the minus strand). VCF-style: chr6-79915999-C-T. GRCh37 (hg19) VCF-style: chr6-80625716-C-T.
Identifiers: ClinVar variation 358133 (VCV000358133.5), dbSNP rs41270555, ClinGen allele CA10622774.
Genomic context (GRCh38, chr6:79,915,999, plus strand): 5'-TCAAGTCATGGTGATCTCTGGGTCACCAGACAAGACTTTACTGCAATTCTTTCTTATTTT[C>T]ACCAACACCATCATCATCAAGCCTCTAAGATTCTACAGAGATCAGCAGATTTTAAAAATT-3'